The following is an entry in ClinVar:

NM_007192.4(SUPT16H):c.2200C>T (p.Arg734Trp)

Gene: SUPT16H (SPT16 homolog, facilitates chromatin remodeling subunit; minus strand). Cytogenetic location: 14q11.2.
Variant type: single nucleotide variant.
Coding change: c.2200C>T on transcript NM_007192.4 (MANE Select); coding-DNA position 2200, C replaced by T.
Protein change: p.Arg734Trp; replaces arginine 734 with tryptophan.
Molecular consequence: missense variant.
Genome position (GRCh38, 1-based): chr14:21,359,585, G>A on the plus strand (C>T on the coding strand, the complement: SUPT16H is on the minus strand). VCF-style: chr14-21359585-G-A. GRCh37 (hg19) VCF-style: chr14-21827744-G-A.
Other names: short protein forms R734W.
Identifiers: ClinVar variation 1199249 (VCV001199249.2), dbSNP rs2139399670, ClinGen allele CA388862749.

ClinVar aggregate classification (germline): Likely pathogenic. Review status: criteria provided, single submitter (1 of 4 stars). 2 submissions from 2 submitters: Likely pathogenic (1). 1 of the submissions does not count toward it. Last evaluated 2023-02-23.

Conditions:
Neurodevelopmental disorder with dysmorphic facies and thin corpus callosum. Identifiers: MedGen C5551361, MONDO:0859179, OMIM 619480.

Submissions (2):

3billion
Classification: Likely pathogenic for Neurodevelopmental disorder with dysmorphic facies and thin corpus callosum. Last evaluated: 2023-02-23. Review status: criteria provided, single submitter. Criteria: ACMG Guidelines, 2015. Collection method: clinical testing. Allele origin: unknown. Affected: yes.
Comment: The variant is not observed in the gnomAD v2.1.1 dataset. Missense changes are a common disease-causing mechanism. Same nucleotide change resulting in same amino acid change has been previously reported to be associated with SUPT16H-related disorder (ClinVar ID: VCV001199249 / PMID: 31924697). The variant has been previously reported as de novo in a similarly affected individual (PMID: 31924697). Therefore, this variant is classified as Likely pathogenic according to the recommendation of ACMG/AMP guideline.

OMIM
Classification: Pathogenic for NEURODEVELOPMENTAL DISORDER WITH DYSMORPHIC FACIES AND THIN CORPUS CALLOSUM. Last evaluated: 2021-08-13. Review status: no assertion criteria provided. Collection method: literature only. Allele origin: germline. Not counted in ClinVar's aggregate classification.

Literature cited by the submitters: PubMed 31924697 (cited by 3billion and OMIM).